The following is an entry in ClinVar:

ClinVar aggregate classification (germline): Conflicting classifications of pathogenicity. Review status: criteria provided, conflicting classifications (1 of 4 stars). 2 submissions from 2 submitters: Pathogenic (1); Uncertain significance (1). Last evaluated 2025-03-10.

Conditions:
Hereditary cancer-predisposing syndrome. Also called: Hereditary Cancer Syndrome; Neoplastic Syndromes, Hereditary; Tumor predisposition; Hereditary neoplastic syndrome. Identifiers: Orphanet 140162, MedGen C0027672, MeSH D009386, MONDO:0015356.

Submissions (2):

Labcorp Genetics (formerly Invitae), Labcorp
Classification: Pathogenic. Last evaluated: 2025-03-10. Review status: criteria provided, single submitter. Criteria: Invitae Variant Classification Sherloc (09022015). Collection method: clinical testing. Allele origin: germline.
Comment: This sequence change creates a premature translational stop signal (p.Val1727Glyfs*57) in the POLE gene. It is expected to result in an absent or disrupted protein product. Loss-of-function variants in POLE are known to be pathogenic (PMID: 23230001, 25948378, 30503519). This variant is not present in population databases (gnomAD no frequency). This variant has not been reported in the literature in individuals affected with POLE-related conditions. ClinVar contains an entry for this variant (Variation ID: 540669). For these reasons, this variant has been classified as Pathogenic.

Ambry Genetics
Classification: Uncertain significance for Hereditary cancer-predisposing syndrome. Last evaluated: 2020-01-22. Review status: criteria provided, single submitter. Criteria: Ambry General Variant Classification Scheme_2022. Collection method: clinical testing. Allele origin: germline. Observed: 1 variant allele.
Comment: The c.5180_5181delTG variant, located in coding exon 39 of the POLE gene, results from a deletion of two nucleotides at nucleotide positions 5180 to 5181, causing a translational frameshift with a predicted alternate stop codon (p.V1727Gfs*57). This alteration is expected to result in loss of function by premature protein truncation or nonsense-mediated mRNA decay. However, loss of function of POLE has not been clearly established as a mechanism of disease. Since supporting evidence is limited at this time, the clinical significance of this alteration remains unclear.

Literature cited by the submitters: PubMed 23230001 (cited by Labcorp Genetics (formerly Invitae), Labcorp); PubMed 25948378 (cited by Labcorp Genetics (formerly Invitae), Labcorp); PubMed 30503519 (cited by Labcorp Genetics (formerly Invitae), Labcorp).

NM_006231.4(POLE):c.5180_5181del (p.Val1727Glyfs)

Gene: POLE (DNA polymerase epsilon, catalytic subunit; minus strand). Cytogenetic location: 12q24.33.
Variant type: Microsatellite.
Coding change: c.5180_5181del on transcript NM_006231.4; coding-DNA positions 5180 to 5181, 2 bases deleted (TG; older notation c.5180_5181delTG).
Protein change: p.Val1727Glyfs; shifts the reading frame from valine 1727.
Genome position (GRCh38, 1-based): chr12:132,641,844-132,641,845, CA deleted on the plus strand (TG on the coding strand, the reverse complement: POLE is on the minus strand); deleting any 2 consecutive bases within chr12:132,641,844-132,641,852 gives the same sequence; the c. name uses the placement nearest the transcript's 3' end. VCF-style (leftmost placement, unchanged base first): chr12-132641843-CCA-C. GRCh37 (hg19) VCF-style: chr12-133218429-CCA-C.
Other names: c.5180_5181del (NM_006231.3).
Identifiers: ClinVar variation 540669 (VCV000540669.13), dbSNP rs1555222376, ClinGen allele CA658798018.
Genomic context (GRCh38, chr12:132,641,843, plus strand): 5'-TGTCGTTGACATGGTGAGACTGGAGAATGGTGTTGACGGCCAGGTTCTGAAGGTCCAGCT[CCA>C]CACACACTGCACAGGAAGACGCCATGCTCAGCCAGCATCCTGCCAGCTCCAGCACCACCA-3'